The following is an entry in ClinVar:

NM_001199107.2(TBC1D24):c.1163G>T (p.Gly388Val)

Gene: TBC1D24 (TBC1 domain family member 24; plus strand). Cytogenetic location: 16p13.3.
Variant type: single nucleotide variant.
Coding change: c.1163G>T on transcript NM_001199107.2 (MANE Select); coding-DNA position 1163, G replaced by T.
Protein change: p.Gly388Val; replaces glycine 388 with valine.
Molecular consequence: missense variant.
Genome position (GRCh38, 1-based): chr16:2,499,377, G>T. VCF-style: chr16-2499377-G-T. GRCh37 (hg19) VCF-style: chr16-2549378-G-T.
Other names: c.1145G>T, p.Gly382Val (NM_020705.3); short protein forms G382V, G388V.
Identifiers: ClinVar variation 2646063 (VCV002646063.24), dbSNP rs2505523157, ClinGen allele CA394379983.
Genomic context (GRCh38, chr16:2,499,377, plus strand): 5'-GTGTGCAGGGTGACAGCTGGCATGCGTGTCTCTACGCCAGGTTCTACTTCCAGTGTGAAG[G>T]ACATGAGCCTACCCTCTTGCTCATCAAGACCACGCAGAAGGAGGTGAGCAGGGGCCCTGG-3'
Protein context (NP_001186036.1, residues 378-398): SLARFYFQCE[Gly388Val]HEPTLLLIKT

ClinVar aggregate classification (germline): Uncertain significance (1 of 4 stars; one submission).

Submission:

CeGaT Center for Human Genetics Tuebingen
Classification: Uncertain significance. Last evaluated: 2022-04-01. Review status: criteria provided, single submitter. Criteria: CeGaT Center For Human Genetics Tuebingen Variant Classification Criteria Version 2. Collection method: clinical testing. Allele origin: germline. Affected: yes. Observed: 1 variant allele.
Comment: TBC1D24: PM2